The following is an entry in ClinVar:

NM_000051.4(ATM):c.1A>T (p.Met1Leu)

Gene: ATM (ATM serine/threonine kinase; plus strand). Cytogenetic location: 11q22.3.
Variant type: single nucleotide variant.
Coding change: c.1A>T on transcript NM_000051.4 (MANE Select); coding-DNA position 1, A replaced by T.
Protein change: p.Met1Leu; changes the start codon (methionine 1).
Molecular consequence: missense variant, initiator codon variant.
Genome position (GRCh38, 1-based): chr11:108,227,625, A>T. VCF-style: chr11-108227625-A-T. GRCh37 (hg19) VCF-style: chr11-108098352-A-T.
Other names: c.1A>T, p.Met1Leu (NM_001351834.2, NM_001351835.2, NM_001351836.2); short protein forms M1L.
Identifiers: ClinVar variation 3148226 (VCV003148226.1), dbSNP rs730881359, ClinGen allele CA382518883.

ClinVar aggregate classification (germline): Pathogenic (1 of 4 stars; one submission).

Conditions:
Familial cancer of breast. Also called: BREAST CANCER, FAMILIAL; Hereditary breast cancer; hereditary breast carcinoma. Identifiers: Orphanet 227535, MedGen C0346153, MONDO:0016419, OMIM 114480. Disease mechanism: loss of function.

Submission:

Myriad Genetics, Inc.
Classification: Pathogenic for Familial cancer of breast. Last evaluated: 2024-01-10. Review status: criteria provided, single submitter. Criteria: Myriad Autosomal Dominant, Autosomal Recessive and X-Linked Classification Criteria (2023). Collection method: clinical testing. Allele origin: unknown.
Comment: This variant is considered pathogenic. This variant is located within the gene translation start codon (p.Met1?) and is predicted to result in abnormal protein translation. This variant has been reported in multiple individuals with clinical features of gene-specific disease [PMID: 21665257, 9463314, 21792198, 12552559, 22649200, 22146522, 30549301].

Literature cited by the submitters: PubMed 21665257; PubMed 9463314; PubMed 21792198; PubMed 12552559; PubMed 22649200; PubMed 22146522; PubMed 30549301.